The following is an entry in ClinVar:

ClinVar aggregate classification (germline): Uncertain significance (1 of 4 stars; one submission).

Conditions:
Catecholaminergic polymorphic ventricular tachycardia 1. Also called: RYR2-Related Catecholaminergic Polymorphic Ventricular Tachycardia; VENTRICULAR TACHYCARDIA, CATECHOLAMINERGIC POLYMORPHIC, 1, WITH OR WITHOUT ATRIAL DYSFUNCTION AND/OR DILATED CARDIOMYOPATHY; VENTRICULAR TACHYCARDIA, STRESS-INDUCED POLYMORPHIC 1. Identifiers: Orphanet 3286, MedGen C1631597, MONDO:0011484, OMIM 604772.

Submission:

Labcorp Genetics (formerly Invitae), Labcorp
Classification: Uncertain significance for Catecholaminergic polymorphic ventricular tachycardia 1. Last evaluated: 2022-06-27. Review status: criteria provided, single submitter. Criteria: Invitae Variant Classification Sherloc (09022015). Collection method: clinical testing. Allele origin: germline.
Comment: Advanced modeling of protein sequence and biophysical properties (such as structural, functional, and spatial information, amino acid conservation, physicochemical variation, residue mobility, and thermodynamic stability) performed at Invitae indicates that this missense variant is not expected to disrupt RYR2 protein function. This variant has not been reported in the literature in individuals affected with RYR2-related conditions. This variant is not present in population databases (gnomAD no frequency). This sequence change replaces methionine, which is neutral and non-polar, with lysine, which is basic and polar, at codon 1729 of the RYR2 protein (p.Met1729Lys). In summary, the available evidence is currently insufficient to determine the role of this variant in disease. Therefore, it has been classified as a Variant of Uncertain Significance.

NM_001035.3(RYR2):c.5186T>A (p.Met1729Lys)

Gene: RYR2 (ryanodine receptor 2; plus strand). Cytogenetic location: 1q43.
Variant type: single nucleotide variant.
Coding change: c.5186T>A on transcript NM_001035.3 (MANE Select); coding-DNA position 5186, T replaced by A.
Protein change: p.Met1729Lys; replaces methionine 1729 with lysine.
Molecular consequence: missense variant.
Genome position (GRCh38, 1-based): chr1:237,614,314, T>A. VCF-style: chr1-237614314-T-A. GRCh37 (hg19) VCF-style: chr1-237777614-T-A.
Other names: short protein forms M1729K.
Identifiers: ClinVar variation 1914031 (VCV001914031.5), dbSNP rs1447147432, ClinGen allele CA345404203.
Genomic context (GRCh38, chr1:237,614,314, plus strand): 5'-TCCACCTGAGCTCCTATGCCACTGCCAGGCTCATGATGAACAACGAGTACATTGTCCCCA[T>A]GACGGAGGAGACGAAGAGCATCACCCTGTTCCCTGATGAGAACAAAAAACACGGCCTTCC-3'
Protein context (NP_001026.2, residues 1719-1739): LMMNNEYIVP[Met1729Lys]TEETKSITLF